The following is an entry in ClinVar:

NC_012920.1(MT-ATP6):m.9079A>G

Gene: MT-ATP6 (mitochondrially encoded ATP synthase 6; plus strand).
Variant type: single nucleotide variant.
Genome position: chrM-9079-A-G.
Identifiers: ClinVar variation 693078 (VCV000693078.1), dbSNP rs1603222038, ClinGen allele CA414802139.

ClinVar aggregate classification (germline): Likely benign (1 of 4 stars; one submission).

Conditions:
Leigh syndrome (NULS). Also called: Leigh's necrotizing encephalopathy; Leigh's disease; Leigh Syndrome (mtDNA deletion); Leigh Disease; Subacute necrotizing encephalopathy; Necrotizing encephalopathy infantile subacute of Leigh. Identifiers: Orphanet 506, MedGen C2931891, MONDO:0009723, OMIM 256000.

Submission:

Wong Mito Lab, Molecular and Human Genetics, Baylor College of Medicine
Classification: Likely benign for Leigh syndrome. Last evaluated: 2019-10-17. Review status: criteria provided, single submitter. Criteria: Modified ACMG Guidelines (Unpublished). Collection method: clinical testing. Allele origin: germline.
Comment: The NC_012920.1:m.9079A>G (YP_003024031.1:p.Asn185Asp) variant in MTATP6 gene is interpretated to be a Likely Benign variant based on the modified ACMG guidelines (unpublished). This variant meets the following evidence codes: BS1, BP4, BP5